The following is an entry in ClinVar:

ClinVar aggregate classification (germline): Uncertain significance. Review status: criteria provided, multiple submitters, no conflicts (2 of 4 stars). 2 submissions from 2 submitters: Uncertain significance (2). Last evaluated 2024-04-02.

Conditions:
Familial idiopathic hypercalciuria (HCA2). Also called: Hypercalciuria, absorptive, 2; Hypercalciuria, absorptive, susceptibility to. Identifiers: MedGen C0342639, MONDO:0007748, OMIM 143870.

Allele frequency attached by ClinVar (database versions not stated): TOPMed below 0.00001.

Submissions (2):

Labcorp Genetics (formerly Invitae), Labcorp
Classification: Uncertain significance. Last evaluated: 2024-04-02. Review status: criteria provided, single submitter. Criteria: Invitae Variant Classification Sherloc (09022015). Collection method: clinical testing. Allele origin: germline.
Comment: This sequence change replaces tyrosine, which is neutral and polar, with cysteine, which is neutral and slightly polar, at codon 1379 of the ADCY10 protein (p.Tyr1379Cys). This variant is not present in population databases (gnomAD no frequency). This variant has not been reported in the literature in individuals affected with ADCY10-related conditions. An algorithm developed to predict the effect of missense changes on protein structure and function (PolyPhen-2) suggests that this variant is likely to be disruptive. In summary, the available evidence is currently insufficient to determine the role of this variant in disease. Therefore, it has been classified as a Variant of Uncertain Significance.

MVZ Medizinische Genetik Mainz
Classification: Uncertain significance for Familial idiopathic hypercalciuria. Last evaluated: 2021-07-26. Review status: criteria provided, single submitter. Criteria: UK Practice Guidelines For Variant Classification V4 01 2020. Collection method: clinical testing. Allele origin: germline. Inheritance: Autosomal dominant inheritance. Affected: yes. Observed: 1 variant allele.
Comment: ACMG Criteria: PM2_SUP, PP3 (ACMG Version 3)

NM_018417.6(ADCY10):c.4136A>G (p.Tyr1379Cys)

Gene: ADCY10 (adenylate cyclase 10; minus strand). Cytogenetic location: 1q24.2.
Variant type: single nucleotide variant.
Coding change: c.4136A>G on transcript NM_018417.6 (MANE Select); coding-DNA position 4136, A replaced by G.
Protein change: p.Tyr1379Cys; replaces tyrosine 1379 with cysteine.
Molecular consequence: missense variant.
Genome position (GRCh38, 1-based): chr1:167,823,040, T>C on the plus strand (A>G on the coding strand, the complement: ADCY10 is on the minus strand). VCF-style: chr1-167823040-T-C. GRCh37 (hg19) VCF-style: chr1-167792278-T-C.
Other names: c.3677A>G, p.Tyr1226Cys (NM_001167749.3); c.3860A>G, p.Tyr1287Cys (NM_001297772.2); short protein forms Y1226C, Y1287C, Y1379C.
Identifiers: ClinVar variation 3236363 (VCV003236363.3), dbSNP rs1663013543, ClinGen allele CA343097543.
Genomic context (GRCh38, chr1:167,823,040, plus strand): 5'-TTCTTTTACATCCCAAACCCACACTTACCAGAATAAAGCAGGATGTCCAAGCAGACAAAA[T>C]AGAAAAATGCCTTGCTGAAGATGTGTTCCTGTGTTACAGAAAGCTCCCACAGCCGCCCCA-3'
Protein context (NP_060887.2, residues 1369-1389): QEHIFSKAFF[Tyr1379Cys]FVCLDILLYS